The following is an entry in ClinVar:

ClinVar aggregate classification (germline): Benign. Review status: criteria provided, multiple submitters, no conflicts (2 of 4 stars). 4 submissions from 4 submitters: Benign (4). Last evaluated 2025-12-08.

Conditions:
Multicentric osteolysis nodulosis arthropathy spectrum. Identifiers: Orphanet 3460, Orphanet 371428, MedGen C1850155, MONDO:0018298.

Allele frequency attached by ClinVar (database versions not stated): 1000 Genomes Project 30x 0.29763; 1000 Genomes Project 0.29892; TOPMed 0.36480; gnomAD 0.36590 and 0.36871; gnomAD exomes 0.41357.
gnomAD v4.1: 217,731 of 543,508 alleles (40%); highest among the groups gnomAD compares: Non-Finnish European, 46%; 45,966 homozygotes.

Submissions (4):

Labcorp Genetics (formerly Invitae), Labcorp
Classification: Benign. Last evaluated: 2025-12-08. Review status: criteria provided, single submitter. Criteria: Invitae Variant Classification Sherloc (09022015). Collection method: clinical testing. Allele origin: germline.

GeneDx
Classification: Benign. Last evaluated: 2018-11-12. Review status: criteria provided, single submitter. Criteria: GeneDx Variant Classification Process June 2021. Collection method: clinical testing. Allele origin: germline. Affected: yes.
Comment: This variant is associated with the following publications: (PMID: 23364396)

Illumina Laboratory Services, Illumina
Classification: Benign for Multicentric osteolysis, nodulosis, and arthropathy. Last evaluated: 2018-01-12. Review status: criteria provided, single submitter. Criteria: ICSL Variant Classification Criteria 13 December 2019. Collection method: clinical testing. Allele origin: germline.
Comment: This variant was observed in the ICSL laboratory as part of a predisposition screen in an ostensibly healthy population. It had not been previously curated by ICSL or reported in the Human Gene Mutation Database (HGMD: prior to June 1st, 2018), and was therefore a candidate for classification through an automated scoring system. Utilizing variant allele frequency, disease prevalence and penetrance estimates, and inheritance mode, an automated score was calculated to assess if this variant is too frequent to cause the disease. Based on the score and internal cut-off values, a variant classified as benign is not then subjected to further curation. The score for this variant resulted in a classification of benign for this disease.

Breakthrough Genomics
Classification: Benign. Review status: criteria provided, single submitter. Criteria: ACMG Guidelines, 2015. Collection method: not provided. Allele origin: germline. Inheritance: Autosomal recessive inheritance. Affected: yes.

NM_004530.6(MMP2):c.*260A>C

Gene: MMP2 (matrix metallopeptidase 2; plus strand). Cytogenetic location: 16q12.2.
Variant type: single nucleotide variant.
Coding change: c.*260A>C on transcript NM_004530.6 (MANE Select); 260 bases downstream of the stop codon, A replaced by C.
Molecular consequence: 3 prime UTR variant.
Genome position (GRCh38, 1-based): chr16:55,505,702, A>C. VCF-style: chr16-55505702-A-C. GRCh37 (hg19) VCF-style: chr16-55539614-A-C.
Other names: c.*260A>C (NM_001127891.3, NM_001302508.1, NM_001302509.2 and 1 more transcripts).
Identifiers: ClinVar variation 319776 (VCV000319776.14), dbSNP rs7201, ClinGen allele CA10648598.